The following is an entry in ClinVar:

NM_182914.3(SYNE2):c.1909G>A (p.Glu637Lys)

Gene: SYNE2 (spectrin repeat containing nuclear envelope protein 2; plus strand). Cytogenetic location: 14q23.2.
Variant type: single nucleotide variant.
Coding change: c.1909G>A on transcript NM_182914.3 (MANE Select); coding-DNA position 1909, G replaced by A.
Protein change: p.Glu637Lys; replaces glutamic acid 637 with lysine.
Molecular consequence: missense variant.
Genome position (GRCh38, 1-based): chr14:63,982,702, G>A. VCF-style: chr14-63982702-G-A. GRCh37 (hg19) VCF-style: chr14-64449420-G-A.
Other names: c.1909G>A (NM_182914.2); c.1909G>A, p.Glu637Lys (NM_015180.6); short protein forms E637K.
Identifiers: ClinVar variation 2037362 (VCV002037362.5), dbSNP rs752511477, ClinGen allele CA7219547.

ClinVar aggregate classification (germline): Uncertain significance. Review status: criteria provided, multiple submitters, no conflicts (2 of 4 stars). 2 submissions from 2 submitters: Uncertain significance (2). Last evaluated 2025-02-12.

Conditions:
Emery-Dreifuss muscular dystrophy 5, autosomal dominant (EDMD5). Also called: EMERY-DREIFUSS MUSCULAR DYSTROPHY 5. Identifiers: Orphanet 261, MedGen C2751805, MONDO:0013072, OMIM 612999.

Allele frequency attached by ClinVar (database versions not stated): ExAC 0.00002; gnomAD 0.00002; gnomAD exomes 0.00002; TOPMed 0.00004.
gnomAD v4.1: 38 of 1,613,858 alleles (0.0024%); highest among the groups gnomAD compares: Non-Finnish European, 0.0031%; no homozygotes.

Submissions (2):

Ambry Genetics
Classification: Uncertain significance. Last evaluated: 2025-02-12. Review status: criteria provided, single submitter. Criteria: Ambry Variant Classification Scheme 2023. Collection method: clinical testing. Allele origin: germline.

Labcorp Genetics (formerly Invitae), Labcorp
Classification: Uncertain significance for Emery-Dreifuss muscular dystrophy 5, autosomal dominant. Last evaluated: 2024-01-06. Review status: criteria provided, single submitter. Criteria: Invitae Variant Classification Sherloc (09022015). Collection method: clinical testing. Allele origin: germline.
Comment: This sequence change replaces glutamic acid, which is acidic and polar, with lysine, which is basic and polar, at codon 637 of the SYNE2 protein (p.Glu637Lys). This variant is present in population databases (rs752511477, gnomAD 0.004%). This variant has not been reported in the literature in individuals affected with SYNE2-related conditions. ClinVar contains an entry for this variant (Variation ID: 2037362). An algorithm developed to predict the effect of missense changes on protein structure and function (PolyPhen-2) suggests that this variant is likely to be tolerated. In summary, the available evidence is currently insufficient to determine the role of this variant in disease. Therefore, it has been classified as a Variant of Uncertain Significance.